The following is an entry in ClinVar:

ClinVar aggregate classification (germline): Uncertain significance (1 of 4 stars; one submission).

Submission:

Dasa
Classification: Uncertain significance. Last evaluated: 2025-07-19. Review status: criteria provided, single submitter. Criteria: DASA Assertion Criteria. Collection method: clinical testing. Allele origin: germline.
Comment: NM_001372.4(DNAH9):c.12821G>C (p.Arg4274Thr) is a missense variant that results in the substitution of arginine with threonine. This variant is absent from population databases. Computational prediction algorithms are consistent with a benign effect. The currently available literature and clinical evidence are not sufficient to establish a definitive association between this variant and the reported condition. Therefore, this variant is classified as a variant of uncertain significance.

NM_001372.4(DNAH9):c.12821G>C (p.Arg4274Thr)

Gene: DNAH9 (dynein axonemal heavy chain 9; plus strand). Cytogenetic location: 17p12.
Variant type: single nucleotide variant.
Coding change: c.12821G>C on transcript NM_001372.4 (MANE Select); coding-DNA position 12821, G replaced by C.
Protein change: p.Arg4274Thr; replaces arginine 4274 with threonine.
Molecular consequence: missense variant.
Genome position (GRCh38, 1-based): chr17:11,942,463, G>C. VCF-style: chr17-11942463-G-C. GRCh37 (hg19) VCF-style: chr17-11845780-G-C.
Other names: c.1757G>C, p.Arg586Thr (NM_004662.2); short protein forms R4274T, R586T.
Identifiers: ClinVar variation 4883300 (VCV004883300.2).